The following is an entry in ClinVar:

NM_000535.7(PMS2):c.408G>A (p.Met136Ile)

Gene: PMS2 (PMS1 homolog 2, mismatch repair system component; minus strand). Cytogenetic location: 7p22.1.
Variant type: single nucleotide variant.
Coding change: c.408G>A on transcript NM_000535.7 (MANE Select); coding-DNA position 408, G replaced by A.
Protein change: p.Met136Ile; replaces methionine 136 with isoleucine.
Molecular consequence: missense variant. On other transcripts: initiator codon variant (6), 5 prime UTR variant (2), non-coding transcript variant (1).
Genome position (GRCh38, 1-based): chr7:6,002,582, C>T on the plus strand (G>A on the coding strand, the complement: PMS2 is on the minus strand). VCF-style: chr7-6002582-C-T. GRCh37 (hg19) VCF-style: chr7-6042213-C-T.
Other names: c.3G>A, p.Met1Ile (NM_001322003.2, NM_001322004.2, NM_001322005.2 and 3 more transcripts); c.408G>A, p.Met136Ile (NM_001322006.2, NM_001322014.2); c.90G>A, p.Met30Ile (NM_001322007.2, NM_001322008.2); c.-477G>A (NM_001322011.2, NM_001322012.2); c.99G>A, p.Met33Ile (NM_001322015.2); short protein forms M136I, M30I, M33I, M1I.
Identifiers: ClinVar variation 419740 (VCV000419740.21), dbSNP rs1064794077, ClinGen allele CA16618533.

ClinVar aggregate classification (germline): Uncertain significance. Review status: criteria provided, multiple submitters, no conflicts (2 of 4 stars). 4 submissions from 4 submitters: Uncertain significance (4). Last evaluated 2025-08-25.

Conditions:
Hereditary cancer-predisposing syndrome. Also called: Hereditary neoplastic syndrome; Tumor predisposition; Neoplastic Syndromes, Hereditary; Hereditary Cancer Syndrome. Identifiers: Orphanet 140162, MedGen C0027672, MeSH D009386, MONDO:0015356.
Hereditary nonpolyposis colorectal neoplasms. Identifiers: MedGen C0009405, MeSH D003123.

Allele frequency attached by ClinVar (database versions not stated): gnomAD exomes below 0.00001 and 0.00001; gnomAD 0.00003; TOPMed 0.00007.

Submissions (4):

Labcorp Genetics (formerly Invitae), Labcorp
Classification: Uncertain significance for Hereditary nonpolyposis colorectal neoplasms. Last evaluated: 2025-08-25. Review status: criteria provided, single submitter. Criteria: Invitae Variant Classification Sherloc (09022015). Collection method: clinical testing. Allele origin: germline.
Comment: This sequence change replaces methionine, which is neutral and non-polar, with isoleucine, which is neutral and non-polar, at codon 136 of the PMS2 protein (p.Met136Ile). This variant is present in population databases (no rsID available, gnomAD 0.009%). This variant has not been reported in the literature in individuals affected with PMS2-related conditions. ClinVar contains an entry for this variant (Variation ID: 419740). Invitae Evidence Modeling incorporating data from in vitro experimental studies (internal data) indicates that this missense variant is not expected to disrupt PMS2 function with a negative predictive value of 95%. In summary, the available evidence is currently insufficient to determine the role of this variant in disease. Therefore, it has been classified as a Variant of Uncertain Significance.

Color Diagnostics, LLC DBA Color Health
Classification: Uncertain significance for Hereditary cancer-predisposing syndrome. Last evaluated: 2025-04-01. Review status: criteria provided, single submitter. Criteria: ACMG Guidelines, 2015. Collection method: clinical testing. Allele origin: germline.
Comment: This missense variant replaces methionine with isoleucine at codon 136 of the PMS2 protein. Computational prediction suggests that this variant may not impact protein structure and function. To our knowledge, functional studies have not been reported for this variant. This variant has not been reported in individuals affected with PMS2-related disorders in the literature. This variant has been identified in 3/251142 chromosomes in the general population by the Genome Aggregation Database (gnomAD). The available evidence is insufficient to determine the role of this variant in disease conclusively. Therefore, this variant is classified as a Variant of Uncertain Significance.

Ambry Genetics
Classification: Uncertain significance for Hereditary cancer-predisposing syndrome. Last evaluated: 2024-12-12. Review status: criteria provided, single submitter. Criteria: Ambry Variant Classification Scheme 2023. Collection method: clinical testing. Allele origin: germline.
Comment: The p.M136I variant (also known as c.408G>A), located in coding exon 5 of the PMS2 gene, results from a G to A substitution at nucleotide position 408. The methionine at codon 136 is replaced by isoleucine, an amino acid with highly similar properties. This amino acid position is poorly conserved in available vertebrate species. In addition, this alteration is predicted to be tolerated by in silico analysis. Since supporting evidence is limited at this time, the clinical significance of this alteration remains unclear.

GeneDx
Classification: Uncertain significance. Last evaluated: 2024-05-30. Review status: criteria provided, single submitter. Criteria: GeneDx Variant Classification Process June 2021. Collection method: clinical testing. Allele origin: germline. Affected: yes.
Comment: In silico analysis indicates that this missense variant does not alter protein structure/function; Has not been previously published as pathogenic or benign to our knowledge; This variant is associated with the following publications: (PMID: 31857677, 11574484)